The following is an entry in ClinVar:

NM_002968.3(SALL1):c.630C>A (p.Phe210Leu)

Gene: SALL1 (spalt like transcription factor 1; minus strand). Cytogenetic location: 16q12.1.
Variant type: single nucleotide variant.
Coding change: c.630C>A on transcript NM_002968.3 (MANE Select); coding-DNA position 630, C replaced by A.
Protein change: p.Phe210Leu; replaces phenylalanine 210 with leucine.
Molecular consequence: missense variant.
Genome position (GRCh38, 1-based): chr16:51,141,592, G>T on the plus strand (C>A on the coding strand, the complement: SALL1 is on the minus strand). VCF-style: chr16-51141592-G-T. GRCh37 (hg19) VCF-style: chr16-51175503-G-T.
Other names: c.339C>A, p.Phe113Leu (NM_001127892.2); short protein forms F210L, F113L.
Identifiers: ClinVar variation 2777022 (VCV002777022.3), dbSNP rs1422151716, ClinGen allele CA395891300.

ClinVar aggregate classification (germline): Uncertain significance (1 of 4 stars; one submission).

Conditions:
Townes syndrome (TBS). Also called: Townes-Brocks syndrome. Identifiers: Orphanet 857, MedGen C0265246, MeSH C536974, MONDO:0007142.

Submission:

Labcorp Genetics (formerly Invitae), Labcorp
Classification: Uncertain significance for Townes syndrome. Last evaluated: 2025-06-12. Review status: criteria provided, single submitter. Criteria: Invitae Variant Classification Sherloc (09022015). Collection method: clinical testing. Allele origin: germline.
Comment: This sequence change replaces phenylalanine, which is neutral and non-polar, with leucine, which is neutral and non-polar, at codon 210 of the SALL1 protein (p.Phe210Leu). This variant is present in population databases (no rsID available, gnomAD 0.003%). This variant has not been reported in the literature in individuals affected with SALL1-related conditions. ClinVar contains an entry for this variant (Variation ID: 2777022). Invitae Evidence Modeling of protein sequence and biophysical properties (such as structural, functional, and spatial information, amino acid conservation, physicochemical variation, residue mobility, and thermodynamic stability) indicates that this missense variant is expected to disrupt SALL1 protein function with a positive predictive value of 80%. In summary, the available evidence is currently insufficient to determine the role of this variant in disease. Therefore, it has been classified as a Variant of Uncertain Significance.